The following is an entry in ClinVar:

NM_001792.5(CDH2):c.769G>C (p.Val257Leu)

Gene: CDH2 (cadherin 2; minus strand). Cytogenetic location: 18q12.1.
Variant type: single nucleotide variant.
Coding change: c.769G>C on transcript NM_001792.5 (MANE Select); coding-DNA position 769, G replaced by C.
Protein change: p.Val257Leu; replaces valine 257 with leucine.
Molecular consequence: missense variant.
Genome position (GRCh38, 1-based): chr18:28,005,927, C>G on the plus strand (G>C on the coding strand, the complement: CDH2 is on the minus strand). VCF-style: chr18-28005927-C-G. GRCh37 (hg19) VCF-style: chr18-25585891-C-G.
Other names: c.676G>C, p.Val226Leu (NM_001308176.2); short protein forms V257L, V226L.
Identifiers: ClinVar variation 2451001 (VCV002451001.2), dbSNP rs2510810933, ClinGen allele CA402243225.

ClinVar aggregate classification (germline): Uncertain significance (1 of 4 stars; one submission).

Conditions:
Inborn genetic diseases. Identifiers: MedGen C0950123, MeSH D030342.

Submission:

Ambry Genetics
Classification: Uncertain significance for Inborn genetic diseases. Last evaluated: 2022-12-06. Review status: criteria provided, single submitter. Criteria: Ambry Variant Classification Scheme 2023. Collection method: clinical testing. Allele origin: germline.
Comment: The p.V257L variant (also known as c.769G>C), located in coding exon 6 of the CDH2 gene, results from a G to C substitution at nucleotide position 769. The valine at codon 257 is replaced by leucine, an amino acid with highly similar properties. This amino acid position is conserved. In addition, this alteration is predicted to be deleterious by in silico analysis. Since supporting evidence is limited at this time, the clinical significance of this alteration remains unclear.